The following is an entry in ClinVar:

NM_052963.3(TOP1MT):c.1189C>T (p.Arg397Trp)

Gene: TOP1MT (DNA topoisomerase I mitochondrial; minus strand). Cytogenetic location: 8q24.3.
Variant type: single nucleotide variant.
Coding change: c.1189C>T on transcript NM_052963.3 (MANE Select); coding-DNA position 1189, C replaced by T.
Protein change: p.Arg397Trp; replaces arginine 397 with tryptophan.
Molecular consequence: missense variant.
Genome position (GRCh38, 1-based): chr8:143,318,044, G>A on the plus strand (C>T on the coding strand, the complement: TOP1MT is on the minus strand). VCF-style: chr8-143318044-G-A. GRCh37 (hg19) VCF-style: chr8-144400214-G-A.
Other names: c.895C>T, p.Arg299Trp (NM_001258446.1, NM_001258447.1); short protein forms R299W, R397W.
Identifiers: ClinVar variation 3618762 (VCV003618762.2).

ClinVar aggregate classification (germline): Uncertain significance (1 of 4 stars; one submission).

Submission:

Labcorp Genetics (formerly Invitae), Labcorp
Classification: Uncertain significance. Last evaluated: 2024-01-29. Review status: criteria provided, single submitter. Criteria: Invitae Variant Classification Sherloc (09022015). Collection method: clinical testing. Allele origin: germline.
Comment: This sequence change replaces arginine, which is basic and polar, with tryptophan, which is neutral and slightly polar, at codon 397 of the TOP1MT protein (p.Arg397Trp). This variant is present in population databases (rs371289275, gnomAD 0.004%). This variant has not been reported in the literature in individuals affected with TOP1MT-related conditions. Advanced modeling of protein sequence and biophysical properties (such as structural, functional, and spatial information, amino acid conservation, physicochemical variation, residue mobility, and thermodynamic stability) performed at Invitae indicates that this missense variant is not expected to disrupt TOP1MT protein function with a negative predictive value of 80%. In summary, the available evidence is currently insufficient to determine the role of this variant in disease. Therefore, it has been classified as a Variant of Uncertain Significance.